The following is an entry in ClinVar:

ClinVar aggregate classification (germline): Likely benign. Review status: criteria provided, multiple submitters, no conflicts (2 of 4 stars). 3 submissions from 3 submitters: Likely benign (2). 1 of the submissions does not count toward it. Last evaluated 2024-08-23.

Conditions:
PLXNA1-related disorder. Also called: PLXNA1-related condition.

Allele frequency attached by ClinVar (database versions not stated): 1000 Genomes Project 30x 0.00031; ExAC 0.00034; 1000 Genomes Project 0.00040.
gnomAD v4.1: 86 of 1,538,822 alleles (0.0056%); highest among the groups gnomAD compares: East Asian, 0.091%; no homozygotes.

Submissions (3):

Blueprint Genetics
Classification: Likely benign. Last evaluated: 2024-08-23. Review status: criteria provided, single submitter. Criteria: ACMG Guidelines, 2015. Collection method: clinical testing. Allele origin: germline.

Labcorp Genetics (formerly Invitae), Labcorp
Classification: Likely benign. Last evaluated: 2024-02-28. Review status: criteria provided, single submitter. Criteria: Invitae Variant Classification Sherloc (09022015). Collection method: clinical testing. Allele origin: germline.

PreventionGenetics, part of Exact Sciences
Classification: Likely benign for PLXNA1-related condition. Last evaluated: 2022-12-09. Review status: no assertion criteria provided. Collection method: clinical testing. Allele origin: germline. Not counted in ClinVar's aggregate classification.
Comment: This variant is classified as likely benign based on ACMG/AMP sequence variant interpretation guidelines (Richards et al. 2015 PMID: 25741868, with internal and published modifications).

NM_032242.4(PLXNA1):c.15G>A (p.Pro5=)

Gene: PLXNA1 (plexin A1; plus strand). Cytogenetic location: 3q21.3.
Variant type: single nucleotide variant.
Coding change: c.15G>A on transcript NM_032242.4 (MANE Select); coding-DNA position 15, G replaced by A.
Protein change: p.Pro5=; no amino-acid change (proline 5 retained).
Molecular consequence: synonymous variant.
Genome position (GRCh38, 1-based): chr3:126,988,608, G>A. VCF-style: chr3-126988608-G-A. GRCh37 (hg19) VCF-style: chr3-126707451-G-A.
Identifiers: ClinVar variation 3045514 (VCV003045514.5), dbSNP rs552827234, ClinGen allele CA2592874.